The following is an entry in ClinVar:

ClinVar aggregate classification (germline): Uncertain significance (1 of 4 stars; one submission).

Submission:

Labcorp Genetics (formerly Invitae), Labcorp
Classification: Uncertain significance. Last evaluated: 2022-07-26. Review status: criteria provided, single submitter. Criteria: Invitae Variant Classification Sherloc (09022015). Collection method: clinical testing. Allele origin: germline.
Comment: This sequence change replaces serine, which is neutral and polar, with cysteine, which is neutral and slightly polar, at codon 396 of the LRIT3 protein (p.Ser396Cys). This variant is not present in population databases (gnomAD no frequency). This variant has not been reported in the literature in individuals affected with LRIT3-related conditions. ClinVar contains an entry for this variant (Variation ID: 1489630). Algorithms developed to predict the effect of missense changes on protein structure and function are either unavailable or do not agree on the potential impact of this missense change (SIFT: "Deleterious"; PolyPhen-2: "Benign"; Align-GVGD: "Class C0"). In summary, the available evidence is currently insufficient to determine the role of this variant in disease. Therefore, it has been classified as a Variant of Uncertain Significance.

NM_198506.5(LRIT3):c.1187C>G (p.Ser396Cys)

Gene: LRIT3 (leucine rich repeat, Ig-like and transmembrane domains 3; plus strand). Cytogenetic location: 4q25.
Variant type: single nucleotide variant.
Coding change: c.1187C>G on transcript NM_198506.5 (MANE Select); coding-DNA position 1187, C replaced by G.
Protein change: p.Ser396Cys; replaces serine 396 with cysteine.
Molecular consequence: missense variant.
Genome position (GRCh38, 1-based): chr4:109,869,936, C>G. VCF-style: chr4-109869936-C-G. GRCh37 (hg19) VCF-style: chr4-110791092-C-G.
Other names: short protein forms S396C.
Identifiers: ClinVar variation 1489630 (VCV001489630.6), dbSNP rs751215450, ClinGen allele CA357870475.